The following is an entry in ClinVar:

ClinVar aggregate classification (germline): Uncertain significance (1 of 4 stars; one submission).

Conditions:
Walker-Warburg congenital muscular dystrophy. Also called: Muscular dystrophy-dystroglycanopathy, type A; Walker-Warburg syndrome. Identifiers: Orphanet 899, MedGen C0265221, MONDO:0000171.
Muscular dystrophy-dystroglycanopathy (congenital with impaired intellectual development), type B, 1. Also called: MUSCULAR DYSTROPHY, CONGENITAL, POMT1-RELATED; Muscular dystrophy-dystroglycanopathy (congenital with intellectual disability), type B1. Identifiers: MedGen C5436962, MONDO:0013159, OMIM 613155.
Autosomal recessive limb-girdle muscular dystrophy type 2K. Also called: MUSCULAR DYSTROPHY-DYSTROGLYCANOPATHY (LIMB-GIRDLE), TYPE C, 1; MUSCULAR DYSTROPHY, LIMB-GIRDLE, TYPE 2K. Identifiers: Orphanet 86812, MedGen C1836373, MONDO:0012248, OMIM 609308.

Submission:

Labcorp Genetics (formerly Invitae), Labcorp
Classification: Uncertain significance for Muscular dystrophy-dystroglycanopathy (congenital with impaired intellectual development), type B, 1; Walker-Warburg congenital muscular dystrophy; Autosomal recessive limb-girdle muscular dystrophy type 2K. Last evaluated: 2022-01-02. Review status: criteria provided, single submitter. Criteria: Invitae Variant Classification Sherloc (09022015). Collection method: clinical testing. Allele origin: germline.
Comment: In summary, the available evidence is currently insufficient to determine the role of this variant in disease. Therefore, it has been classified as a Variant of Uncertain Significance. Algorithms developed to predict the effect of missense changes on protein structure and function are either unavailable or do not agree on the potential impact of this missense change (SIFT: "Deleterious"; PolyPhen-2: "Probably Damaging"; Align-GVGD: "Class C0"). This variant has not been reported in the literature in individuals affected with POMT1-related conditions. This variant is not present in population databases (gnomAD no frequency). This sequence change replaces serine, which is neutral and polar, with cysteine, which is neutral and slightly polar, at codon 567 of the POMT1 protein (p.Ser567Cys).

NM_001077365.2(POMT1):c.1634C>G (p.Ser545Cys)

Gene: POMT1 (protein O-mannosyltransferase 1; plus strand). Cytogenetic location: 9q34.13.
Variant type: single nucleotide variant.
Coding change: c.1634C>G on transcript NM_001077365.2 (MANE Select); coding-DNA position 1634, C replaced by G.
Protein change: p.Ser545Cys; replaces serine 545 with cysteine.
Molecular consequence: missense variant. On other transcripts: non-coding transcript variant (10).
Genome position (GRCh38, 1-based): chr9:131,520,129, C>G. VCF-style: chr9-131520129-C-G. GRCh37 (hg19) VCF-style: chr9-134395516-C-G.
Other names: c.1472C>G, p.Ser491Cys (NM_001077366.2, NM_001353194.2); c.1634C>G, p.Ser545Cys (NM_001136113.2); c.1283C>G, p.Ser428Cys (NM_001136114.2, NM_001353195.2, NM_001374691.1 and 2 more transcripts); c.1700C>G, p.Ser567Cys (NM_001353193.2, NM_007171.4); c.1544C>G, p.Ser515Cys (NM_001353196.2); c.1538C>G, p.Ser513Cys (NM_001353197.2, NM_001353198.2); c.1349C>G, p.Ser450Cys (NM_001353199.2); c.1178C>G, p.Ser393Cys (NM_001353200.2); and 4 more; short protein forms S393C, S472C, S513C, S541C, S415C, S450C, S515C, S567C.
Identifiers: ClinVar variation 2046181 (VCV002046181.4), dbSNP rs2539417407, ClinGen allele CA375313120.